The following is an entry in ClinVar:

ClinVar aggregate classification (germline): Likely benign. Review status: criteria provided, single submitter (1 of 4 stars). 2 submissions from 2 submitters: Likely benign (1). 1 of the submissions does not count toward it. Last evaluated 2025-08-26.

Conditions:
Dilated cardiomyopathy 1G (CMD1G). Identifiers: Orphanet 154, MedGen C1858763, MONDO:0011400, OMIM 604145.
Autosomal recessive limb-girdle muscular dystrophy type 2J (LGMDR10). Also called: Limb-girdle muscular dystrophy, type 2J; MUSCULAR DYSTROPHY, LIMB-GIRDLE, AUTOSOMAL RECESSIVE 10. Identifiers: Orphanet 140922, MedGen C1837342, MONDO:0012127, OMIM 608807.
TTN-related disorder. Also called: TTN-related disorders; TTN-related condition; TTN-related disease.

gnomAD v4.1: 3 of 1,612,900 alleles (0.00019%); highest among the groups gnomAD compares: African/African-American, 0.004%; no homozygotes.

Submissions (2):

Labcorp Genetics (formerly Invitae), Labcorp
Classification: Likely benign for Dilated cardiomyopathy 1G; Autosomal recessive limb-girdle muscular dystrophy type 2J. Last evaluated: 2025-08-26. Review status: criteria provided, single submitter. Criteria: Invitae Variant Classification Sherloc (09022015). Collection method: clinical testing. Allele origin: germline.

PreventionGenetics, part of Exact Sciences
Classification: Likely benign for TTN-related condition. Last evaluated: 2024-03-20. Review status: no assertion criteria provided. Collection method: clinical testing. Allele origin: germline. Not counted in ClinVar's aggregate classification.
Comment: This variant is classified as likely benign based on ACMG/AMP sequence variant interpretation guidelines (Richards et al. 2015 PMID: 25741868, with internal and published modifications).

NM_001267550.2(TTN):c.53287+7A>G

Genes: TTN (titin; minus strand), TTN-AS1 (TTN antisense RNA 1; plus strand), LOC126806425 (BRD4-independent group 4 enhancer GRCh37_chr2:179471933-179473132; plus strand). Cytogenetic location: 2q31.2.
Variant type: single nucleotide variant.
Coding change: c.53287+7A>G on transcript NM_001267550.2 (MANE Select); 7 bases into the intron after coding-DNA position 53287, A replaced by G.
Molecular consequence: intron variant.
Genome position (GRCh38, 1-based): chr2:178,607,394, T>C on the plus strand (A>G on the coding strand, the complement: TTN is on the minus strand). VCF-style: chr2-178607394-T-C. GRCh37 (hg19) VCF-style: chr2-179472121-T-C.
Other names: c.26092+7A>G (NM_003319.4); c.26668+7A>G (NM_133437.4); c.26467+7A>G (NM_133432.3); c.45583+7A>G (NM_133378.4); c.48364+7A>G (NM_001256850.1).
Identifiers: ClinVar variation 3350047 (VCV003350047.2).